The following is an entry in ClinVar:

NM_001085411.3(NADK2):c.645-3A>G

Gene: NADK2 (NAD kinase 2, mitochondrial; minus strand). Cytogenetic location: 5p13.2.
Variant type: single nucleotide variant.
Coding change: c.645-3A>G on transcript NM_001085411.3 (MANE Select); 3 bases into the intron before coding-DNA position 645, A replaced by G.
Molecular consequence: intron variant.
Genome position (GRCh38, 1-based): chr5:36,217,887, T>C on the plus strand (A>G on the coding strand, the complement: NADK2 is on the minus strand). VCF-style: chr5-36217887-T-C. GRCh37 (hg19) VCF-style: chr5-36217989-T-C.
Other names: c.156-3A>G (NM_153013.5, NM_001287341.2, NM_001287340.2).
Identifiers: ClinVar variation 2270393 (VCV002270393.2), dbSNP rs1360357385, ClinGen allele CA559010893.

ClinVar aggregate classification (germline): Uncertain significance (1 of 4 stars; one submission).

Conditions:
Inborn genetic diseases. Identifiers: MedGen C0950123, MeSH D030342.

Allele frequency attached by ClinVar (database versions not stated): gnomAD exomes below 0.00001.
gnomAD v4.1: 4 of 1,611,792 alleles (0.00025%); highest among the groups gnomAD compares: South Asian, 0.0033%; no homozygotes.

Submission:

Ambry Genetics
Classification: Uncertain significance for Inborn genetic diseases. Last evaluated: 2022-02-15. Review status: criteria provided, single submitter. Criteria: Ambry Variant Classification Scheme 2023. Collection method: clinical testing. Allele origin: germline.
Comment: The c.645-3A>G intronic alteration consists of a A to G substitution 3 nucleotides before coding exon 6 in the NADK2 gene. Based on insufficient or conflicting evidence, the clinical significance of this alteration remains unclear.